The following is an entry in ClinVar:

ClinVar aggregate classification (germline): Uncertain significance. Review status: criteria provided, multiple submitters, no conflicts (2 of 4 stars). 3 submissions from 3 submitters: Uncertain significance (3). Last evaluated 2024-08-31.

Conditions:
Dyskeratosis congenita. Identifiers: Orphanet 1775, MedGen C0265965, MONDO:0015780.
Dyskeratosis congenita, autosomal dominant 2. Identifiers: MedGen C3151443, MONDO:0013521, OMIM 613989.
Idiopathic Pulmonary Fibrosis. Also called: Idiopathic fibrosing alveolitis, chronic form; idiopathic fibrosing alveolitis. Identifiers: Orphanet 2032, MedGen C1800706, MeSH D054990, MONDO:0800504.

Submissions (3):

Labcorp Genetics (formerly Invitae), Labcorp
Classification: Uncertain significance for Dyskeratosis congenita, autosomal dominant 2; Idiopathic Pulmonary Fibrosis. Last evaluated: 2024-08-31. Review status: criteria provided, single submitter. Criteria: Invitae Variant Classification Sherloc (09022015). Collection method: clinical testing. Allele origin: germline.
Comment: This sequence change replaces proline, which is neutral and non-polar, with leucine, which is neutral and non-polar, at codon 124 of the TERT protein (p.Pro124Leu). This variant is not present in population databases (gnomAD no frequency). This variant has not been reported in the literature in individuals affected with TERT-related conditions. ClinVar contains an entry for this variant (Variation ID: 1734274). Invitae Evidence Modeling of protein sequence and biophysical properties (such as structural, functional, and spatial information, amino acid conservation, physicochemical variation, residue mobility, and thermodynamic stability) indicates that this missense variant is expected to disrupt TERT protein function with a positive predictive value of 95%. In summary, the available evidence is currently insufficient to determine the role of this variant in disease. Therefore, it has been classified as a Variant of Uncertain Significance.

Baylor Genetics
Classification: Uncertain significance for Dyskeratosis congenita, autosomal dominant 2. Last evaluated: 2024-01-22. Review status: criteria provided, single submitter. Criteria: ACMG Guidelines, 2015. Collection method: clinical testing. Allele origin: unknown.

Ambry Genetics
Classification: Uncertain significance for Dyskeratosis congenita. Last evaluated: 2020-07-22. Review status: criteria provided, single submitter. Criteria: Ambry Variant Classification Scheme 2023. Collection method: clinical testing. Allele origin: germline.
Comment: The p.P124L variant (also known as c.371C>T), located in coding exon 2 of the TERT gene, results from a C to T substitution at nucleotide position 371. The proline at codon 124 is replaced by leucine, an amino acid with similar properties. This amino acid position is well conserved in available vertebrate species. In addition, this alteration is predicted to be deleterious by in silico analysis. Since supporting evidence is limited at this time, the clinical significance of this alteration remains unclear.

NM_198253.3(TERT):c.371C>T (p.Pro124Leu)

Gene: TERT (telomerase reverse transcriptase; minus strand). Cytogenetic location: 5p15.33.
Variant type: single nucleotide variant.
Coding change: c.371C>T on transcript NM_198253.3 (MANE Select); coding-DNA position 371, C replaced by T.
Protein change: p.Pro124Leu; replaces proline 124 with leucine.
Molecular consequence: missense variant. On other transcripts: non-coding transcript variant (2).
Genome position (GRCh38, 1-based): chr5:1,294,515, G>A on the plus strand (C>T on the coding strand, the complement: TERT is on the minus strand). VCF-style: chr5-1294515-G-A. GRCh37 (hg19) VCF-style: chr5-1294630-G-A.
Other names: c.371C>T, p.Pro124Leu (NM_001193376.3, NM_003219.1); short protein forms P124L.
Identifiers: ClinVar variation 1734274 (VCV001734274.6), dbSNP rs2478428786, ClinGen allele CA359058166.